The following is an entry in ClinVar:

NM_014797.3(ZBTB24):c.616G>A (p.Val206Ile)

Gene: ZBTB24 (zinc finger and BTB domain containing 24; minus strand). Cytogenetic location: 6q21.
Variant type: single nucleotide variant.
Coding change: c.616G>A on transcript NM_014797.3 (MANE Select); coding-DNA position 616, G replaced by A.
Protein change: p.Val206Ile; replaces valine 206 with isoleucine.
Molecular consequence: missense variant.
Genome position (GRCh38, 1-based): chr6:109,481,411, C>T on the plus strand (G>A on the coding strand, the complement: ZBTB24 is on the minus strand). VCF-style: chr6-109481411-C-T. GRCh37 (hg19) VCF-style: chr6-109802614-C-T.
Other names: c.616G>A, p.Val206Ile (NM_001164313.2); short protein forms V206I.
Identifiers: ClinVar variation 4809566 (VCV004809566.1).
Genomic context (GRCh38, chr6:109,481,411, plus strand): 5'-TTGGCTCACAAGTAGGCTCCGATTCTTCCTTTTCTTTTGCTGCAATTTGCTCATTCAGTA[C>T]ACCACTGTCTCCTTTAACCACAAAGTTTTGTCTATTCTGAACTGAATTGTTCACTCTTAA-3'
Protein context (NP_055612.2, residues 196-216): QNFVVKGDSG[Val206Ile]LNEQIAAKEK

ClinVar aggregate classification (germline): Uncertain significance (1 of 4 stars; one submission).

Conditions:
Immunodeficiency-centromeric instability-facial anomalies syndrome 2 (ICF2). Identifiers: Orphanet 2268, MedGen C3279748, MONDO:0013553, OMIM 614069.

Submission:

Labcorp Genetics (formerly Invitae), Labcorp
Classification: Uncertain significance for Immunodeficiency-centromeric instability-facial anomalies syndrome 2. Last evaluated: 2025-09-23. Review status: criteria provided, single submitter. Criteria: Invitae Variant Classification Sherloc (09022015). Collection method: clinical testing. Allele origin: germline.
Comment: This sequence change replaces valine, which is neutral and non-polar, with isoleucine, which is neutral and non-polar, at codon 206 of the ZBTB24 protein (p.Val206Ile). This variant is not present in population databases (gnomAD no frequency). This variant has not been reported in the literature in individuals affected with ZBTB24-related conditions. An algorithm developed to predict the effect of missense changes on protein structure and function outputs the following: PolyPhen-2: "Benign". The isoleucine amino acid residue is found in multiple mammalian species, which suggests that this missense change does not adversely affect protein function. In summary, the available evidence is currently insufficient to determine the role of this variant in disease. Therefore, it has been classified as a Variant of Uncertain Significance.